The following is an entry in ClinVar:

NM_013447.4(ADGRE2):c.71A>G (p.Gln24Arg)

Gene: ADGRE2 (adhesion G protein-coupled receptor E2; minus strand). Cytogenetic location: 19p13.12.
Variant type: single nucleotide variant.
Coding change: c.71A>G on transcript NM_013447.4 (MANE Select); coding-DNA position 71, A replaced by G.
Protein change: p.Gln24Arg; replaces glutamine 24 with arginine.
Molecular consequence: missense variant.
Genome position (GRCh38, 1-based): chr19:14,774,267, T>C on the plus strand (A>G on the coding strand, the complement: ADGRE2 is on the minus strand). VCF-style: chr19-14774267-T-C. GRCh37 (hg19) VCF-style: chr19-14885079-T-C.
Other names: c.71A>G (NM_013447.2); c.71A>G, p.Gln24Arg (NM_001271052.1, NM_152916.2, NM_152917.2); short protein forms Q24R.
Identifiers: ClinVar variation 2150645 (VCV002150645.5), dbSNP rs768611033, ClinGen allele CA9258330.

ClinVar aggregate classification (germline): Uncertain significance. Review status: criteria provided, multiple submitters, no conflicts (2 of 4 stars). 2 submissions from 2 submitters: Uncertain significance (2). Last evaluated 2025-06-17.

Allele frequency attached by ClinVar (database versions not stated): gnomAD 0.00009; ExAC 0.00012; gnomAD exomes 0.00015.

Submissions (2):

Labcorp Genetics (formerly Invitae), Labcorp
Classification: Uncertain significance. Last evaluated: 2025-06-17. Review status: criteria provided, single submitter. Criteria: Invitae Variant Classification Sherloc (09022015). Collection method: clinical testing. Allele origin: germline.
Comment: This sequence change replaces glutamine, which is neutral and polar, with arginine, which is basic and polar, at codon 24 of the ADGRE2 protein (p.Gln24Arg). This variant is present in population databases (rs768611033, gnomAD 0.01%). This variant has not been reported in the literature in individuals affected with ADGRE2-related conditions. ClinVar contains an entry for this variant (Variation ID: 2150645). An algorithm developed to predict the effect of missense changes on protein structure and function outputs the following: PolyPhen-2: "Benign". The arginine amino acid residue is found in multiple mammalian species, which suggests that this missense change does not adversely affect protein function. In summary, the available evidence is currently insufficient to determine the role of this variant in disease. Therefore, it has been classified as a Variant of Uncertain Significance.

Ambry Genetics
Classification: Uncertain significance. Last evaluated: 2024-10-21. Review status: criteria provided, single submitter. Criteria: Ambry Variant Classification Scheme 2023. Collection method: clinical testing. Allele origin: germline.